The following is an entry in ClinVar:

NM_015662.3(IFT172):c.435A>G (p.Ser145=)

Gene: IFT172 (intraflagellar transport 172; minus strand). Cytogenetic location: 2p23.3.
Variant type: single nucleotide variant.
Coding change: c.435A>G on transcript NM_015662.3 (MANE Select); coding-DNA position 435, A replaced by G.
Protein change: p.Ser145=; no amino-acid change (serine 145 retained).
Molecular consequence: synonymous variant.
Genome position (GRCh38, 1-based): chr2:27,483,627, T>C on the plus strand (A>G on the coding strand, the complement: IFT172 is on the minus strand). VCF-style: chr2-27483627-T-C. GRCh37 (hg19) VCF-style: chr2-27706494-T-C.
Other names: c.435A>G, p.Ser145= (NM_001410739.1).
Identifiers: ClinVar variation 2172086 (VCV002172086.12), dbSNP rs1668543398, ClinGen allele CA425414820.

ClinVar aggregate classification (germline): Likely benign. Review status: criteria provided, multiple submitters, no conflicts (2 of 4 stars). 2 submissions from 2 submitters: Likely benign (2). Last evaluated 2025-08-01.

Conditions:
Short-rib thoracic dysplasia 10 with or without polydactyly (SRTD10). Identifiers: Orphanet 474, MedGen C3810175, MONDO:0014284, OMIM 615630.
Retinitis pigmentosa 71 (RP71). Identifiers: Orphanet 791, MedGen C4225342, MONDO:0014618, OMIM 616394.

Submissions (2):

CeGaT Center for Human Genetics Tuebingen
Classification: Likely benign. Last evaluated: 2025-08-01. Review status: criteria provided, single submitter. Criteria: CeGaT Center For Human Genetics Tuebingen Variant Classification Criteria Version 2. Collection method: clinical testing. Allele origin: germline. Affected: yes. Observed: 1 variant allele.
Comment: IFT172: BP4, BP7

Labcorp Genetics (formerly Invitae), Labcorp
Classification: Likely benign for Retinitis pigmentosa 71; Short-rib thoracic dysplasia 10 with or without polydactyly. Last evaluated: 2019-11-06. Review status: criteria provided, single submitter. Criteria: Invitae Variant Classification Sherloc (09022015). Collection method: clinical testing. Allele origin: germline.